The following is an entry in ClinVar:

ClinVar aggregate classification (germline): Uncertain significance. Review status: criteria provided, multiple submitters, no conflicts (2 of 4 stars). 3 submissions from 3 submitters: Uncertain significance (3). Last evaluated 2024-03-06.

Conditions:
Arrhythmogenic right ventricular dysplasia 5. Also called: Arrhythmogenic Right Ventricular Dysplasia/Cardiomyopathy 5; ARRHYTHMOGENIC RIGHT VENTRICULAR DYSPLASIA, FAMILIAL, 5. Identifiers: MedGen C1858379, MONDO:0011459, OMIM 604400.
Cardiomyopathy (CMYO). Also called: Cardiomyopathies. Identifiers: Orphanet 167848, MedGen C0878544, MONDO:0004994, HP:0001638. Inheritance: Various modes of inheritance.

Allele frequency attached by ClinVar (database versions not stated): gnomAD exomes below 0.00001; TOPMed 0.00001.

Submissions (3):

Color Diagnostics, LLC DBA Color Health
Classification: Uncertain significance for Cardiomyopathy. Last evaluated: 2024-03-06. Review status: criteria provided, single submitter. Criteria: ACMG Guidelines, 2015. Collection method: clinical testing. Allele origin: germline.
Comment: This missense variant replaces valine with methionine at codon 38 of the TMEM43 protein. Computational prediction suggests that this variant may not impact protein structure and function (internally defined REVEL score threshold <= 0.5, PMID: 27666373). To our knowledge, functional studies have not been reported for this variant. This variant has not been reported in individuals affected with cardiovascular disorders in the literature. This variant has been identified in 1/251302 chromosomes in the general population by the Genome Aggregation Database (gnomAD). The available evidence is insufficient to determine the role of this variant in disease conclusively. Therefore, this variant is classified as a Variant of Uncertain Significance.

Women's Health and Genetics/Laboratory Corporation of America, LabCorp
Classification: Uncertain significance. Last evaluated: 2024-02-29. Review status: criteria provided, single submitter. Criteria: LabCorp Variant Classification Summary - May 2015. Collection method: clinical testing. Allele origin: germline.
Comment: Variant summary: TMEM43 c.112G>A (p.Val38Met) results in a conservative amino acid change in the encoded protein sequence. Three of five in-silico tools predict a damaging effect of the variant on protein function. The variant allele was found at a frequency of 4e-06 in 251302 control chromosomes. The available data on variant occurrences in the general population are insufficient to allow any conclusion about variant significance. To our knowledge, no occurrence of c.112G>A in individuals affected with Arrhythmogenic Right Ventricular Dysplasia/Cardiomyopathy and no experimental evidence demonstrating its impact on protein function have been reported. ClinVar contains an entry for this variant (Variation ID: 534759). Based on the evidence outlined above, the variant was classified as uncertain significance.

Labcorp Genetics (formerly Invitae), Labcorp
Classification: Uncertain significance for Arrhythmogenic right ventricular dysplasia 5. Last evaluated: 2023-04-25. Review status: criteria provided, single submitter. Criteria: Invitae Variant Classification Sherloc (09022015). Collection method: clinical testing. Allele origin: germline.
Comment: This sequence change replaces valine, which is neutral and non-polar, with methionine, which is neutral and non-polar, at codon 38 of the TMEM43 protein (p.Val38Met). This variant is present in population databases (no rsID available, gnomAD 0.0009%). This variant has not been reported in the literature in individuals affected with TMEM43-related conditions. ClinVar contains an entry for this variant (Variation ID: 534759). Advanced modeling of protein sequence and biophysical properties (such as structural, functional, and spatial information, amino acid conservation, physicochemical variation, residue mobility, and thermodynamic stability) performed at Invitae indicates that this missense variant is not expected to disrupt TMEM43 protein function. In summary, the available evidence is currently insufficient to determine the role of this variant in disease. Therefore, it has been classified as a Variant of Uncertain Significance.

NM_024334.3(TMEM43):c.112G>A (p.Val38Met)

Gene: TMEM43 (transmembrane protein 43; plus strand). Cytogenetic location: 3p25.1.
Variant type: single nucleotide variant.
Coding change: c.112G>A on transcript NM_024334.3 (MANE Select); coding-DNA position 112, G replaced by A.
Protein change: p.Val38Met; replaces valine 38 with methionine.
Molecular consequence: missense variant.
Genome position (GRCh38, 1-based): chr3:14,129,511, G>A. VCF-style: chr3-14129511-G-A. GRCh37 (hg19) VCF-style: chr3-14171011-G-A.
Other names: short protein forms V38M.
Identifiers: ClinVar variation 534759 (VCV000534759.13), dbSNP rs977468112, ClinGen allele CA351534361.